The following is an entry in ClinVar:

NM_001330078.2(NRXN1):c.2085G>A (p.Trp695Ter)

Gene: NRXN1 (neurexin 1; minus strand). Cytogenetic location: 2p16.3.
Variant type: single nucleotide variant.
Coding change: c.2085G>A on transcript NM_001330078.2 (MANE Select); coding-DNA position 2085, G replaced by A.
Protein change: p.Trp695Ter; replaces tryptophan 695 with a stop codon.
Molecular consequence: nonsense.
Genome position (GRCh38, 1-based): chr2:50,538,311, C>T on the plus strand (G>A on the coding strand, the complement: NRXN1 is on the minus strand). VCF-style: chr2-50538311-C-T. GRCh37 (hg19) VCF-style: chr2-50765449-C-T.
Other names: c.2205G>A, p.Trp735Ter (NM_001135659.3); c.2061G>A, p.Trp687Ter (NM_001330077.2, NM_001330082.2, NM_001330095.2); c.2046G>A, p.Trp682Ter (NM_001330083.2, NM_001330084.2); c.2085G>A, p.Trp695Ter (NM_001330085.2, NM_001330086.2, NM_004801.6); c.2001G>A, p.Trp667Ter (NM_001330087.2, NM_001330096.2); c.2031G>A, p.Trp677Ter (NM_001330088.2); c.2082G>A, p.Trp694Ter (NM_001330093.2); c.2073G>A, p.Trp691Ter (NM_001330094.2); short protein forms W735*, W677*, W691*, W687*, W695*, W667*, W682*, W694*.
Identifiers: ClinVar variation 432377 (VCV000432377.2), dbSNP rs1553759318, ClinGen allele CA346770191.

ClinVar aggregate classification (germline): Pathogenic (1 of 4 stars; one submission).

Submission:

GeneDx
Classification: Pathogenic. Last evaluated: 2017-05-30. Review status: criteria provided, single submitter. Criteria: GeneDx Variant Classification (06012015). Collection method: clinical testing. Allele origin: germline. Affected: yes.
Comment: The W735X variant in the NRXN1 gene has not been reported previously as a pathogenic variant nor as a benign variant, to our knowledge. This variant is predicted to cause loss of normal protein function either through protein truncation or nonsense-mediated mRNA decay. The W735X variant is not observed in large population cohorts (Lek et al., 2016; 1000 Genomes Consortium et al., 2015; Exome Variant Server). We interpret W735X as a pathogenic variant.